The following is an entry in ClinVar:

NM_001048174.2(MUTYH):c.1551C>A (p.Asn517Lys)

Gene: MUTYH (mutY DNA glycosylase; minus strand). Cytogenetic location: 1p34.1.
Variant type: single nucleotide variant.
Coding change: c.1551C>A on transcript NM_001048174.2 (MANE Select); coding-DNA position 1551, C replaced by A.
Protein change: p.Asn517Lys; replaces asparagine 517 with lysine.
Molecular consequence: missense variant. On other transcripts: non-coding transcript variant (7).
Genome position (GRCh38, 1-based): chr1:45,329,321, G>T on the plus strand (C>A on the coding strand, the complement: MUTYH is on the minus strand). VCF-style: chr1-45329321-G-T. GRCh37 (hg19) VCF-style: chr1-45794993-G-T.
Other names: c.1512C>A, p.Asn504Lys (NM_001407079.1); c.1509C>A, p.Asn503Lys (NM_001407080.1); c.1551C>A, p.Asn517Lys (NM_001407081.1, NM_001407088.1, NM_001407089.1 and 6 more transcripts); c.1206C>A, p.Asn402Lys (NM_001407082.1, NM_001350650.2, NM_001350651.2); c.1593C>A, p.Asn531Lys (NM_001407083.1, NM_001407085.1); c.1554C>A, p.Asn518Lys (NM_001407086.1, NM_001048172.2, NM_001407071.1 and 1 more transcripts); c.1572C>A, p.Asn524Lys (NM_001407087.1); c.1635C>A, p.Asn545Lys (NM_001128425.2); and 5 more; short protein forms N503K, N524K, N402K, N425K, N489K, N517K, N531K, N504K.
Identifiers: ClinVar variation 4113476 (VCV004113476.1).

ClinVar aggregate classification (germline): Uncertain significance (1 of 4 stars; one submission).

Conditions:
Hereditary cancer-predisposing syndrome. Also called: Hereditary neoplastic syndrome; Neoplastic Syndromes, Hereditary; Tumor predisposition; Hereditary Cancer Syndrome. Identifiers: Orphanet 140162, MedGen C0027672, MeSH D009386, MONDO:0015356.

Submission:

Ambry Genetics
Classification: Uncertain significance for Hereditary cancer-predisposing syndrome. Last evaluated: 2025-08-27. Review status: criteria provided, single submitter. Criteria: Ambry Variant Classification Scheme 2023. Collection method: clinical testing. Allele origin: germline.
Comment: The p.N545K variant (also known as c.1635C>A), located in coding exon 16 of the MUTYH gene, results from a C to A substitution at nucleotide position 1635. The asparagine at codon 545 is replaced by lysine, an amino acid with similar properties. This amino acid position is conserved. In addition, this alteration is predicted to be tolerated by in silico analysis. Based on the available evidence, the clinical significance of this variant remains unclear.